The following is an entry in ClinVar:

NM_006218.4(PIK3CA):c.955A>G (p.Asn319Asp)

Gene: PIK3CA (phosphatidylinositol-4,5-bisphosphate 3-kinase catalytic subunit alpha; plus strand). Cytogenetic location: 3q26.32.
Variant type: single nucleotide variant.
Coding change: c.955A>G on transcript NM_006218.4 (MANE Select); coding-DNA position 955, A replaced by G.
Protein change: p.Asn319Asp; replaces asparagine 319 with aspartic acid.
Molecular consequence: missense variant.
Genome position (GRCh38, 1-based): chr3:179,203,685, A>G. VCF-style: chr3-179203685-A-G. GRCh37 (hg19) VCF-style: chr3-178921473-A-G.
Other names: short protein forms N319D.
Identifiers: ClinVar variation 1002337 (VCV001002337.9), dbSNP rs1724480940, ClinGen allele CA355280745.

ClinVar aggregate classification (germline): Uncertain significance (1 of 4 stars; one submission).

Conditions:
Cowden syndrome (CS). Also called: Cowden's disease; Cowden's syndrome; Cowden disease. Identifiers: Orphanet 201, MedGen C0018553, MONDO:0016063. Disease mechanism: gain of function.

Submission:

Labcorp Genetics (formerly Invitae), Labcorp
Classification: Uncertain significance for Cowden syndrome. Last evaluated: 2020-01-26. Review status: criteria provided, single submitter. Criteria: Invitae Variant Classification Sherloc (09022015). Collection method: clinical testing. Allele origin: germline.
Comment: This variant is not present in population databases (ExAC no frequency). Algorithms developed to predict the effect of missense changes on protein structure and function (SIFT, PolyPhen-2, Align-GVGD) all suggest that this variant is likely to be tolerated, but these predictions have not been confirmed by published functional studies and their clinical significance is uncertain. This variant has not been reported in the literature in individuals with PIK3CA-related conditions. This sequence change replaces asparagine with aspartic acid at codon 319 of the PIK3CA protein (p.Asn319Asp). The asparagine residue is highly conserved and there is a small physicochemical difference between asparagine and aspartic acid. In summary, the available evidence is currently insufficient to determine the role of this variant in disease. Therefore, it has been classified as a Variant of Uncertain Significance.